The following is an entry in ClinVar:

NM_001374353.1(GLI2):c.126_137del (p.Ala44_Ala47del)

Gene: GLI2 (GLI family zinc finger 2; plus strand). Cytogenetic location: 2q14.2.
Variant type: Deletion.
Coding change: c.126_137del on transcript NM_001374353.1 (MANE Select); coding-DNA positions 126 to 137, 12 bases deleted (AGCAGCGGTAGC).
Protein change: p.Ala44_Ala47del.
Molecular consequence: inframe deletion. On other transcripts: 5 prime UTR variant (1).
Genome position (GRCh38, 1-based): chr2:120,797,446-120,797,457, AGCAGCGGTAGC deleted; deleting any 12 consecutive bases within chr2:120,797,443-120,797,457 gives the same sequence; the c. name uses the placement nearest the transcript's 3' end. VCF-style (leftmost placement, unchanged base first): chr2-120797442-CAGCAGCAGCGGT-C. GRCh37 (hg19) VCF-style: chr2-121555018-CAGCAGCAGCGGT-C.
Other names: c.126_137del, p.Ala44_Ala47del (NM_001371271.1, NM_005270.5); c.-144_-133del (NM_001374354.1).
Identifiers: ClinVar variation 4858100 (VCV004858100.1).

ClinVar aggregate classification (germline): Uncertain significance (1 of 4 stars; one submission).

Conditions:
Inborn genetic diseases. Identifiers: MedGen C0950123, MeSH D030342.

Submission:

Ambry Genetics
Classification: Uncertain significance for Inborn genetic diseases. Last evaluated: 2026-04-22. Review status: criteria provided, single submitter. Criteria: Ambry Variant Classification Scheme 2023. Collection method: clinical testing. Allele origin: germline.
Comment: The c.126_137del12 (p.A44_A47del) variant, located in exon 1 (coding exon 1) of the GLI2 gene, results from an in-frame deletion of 12 nucleotides at positions c.126 to c.137. This results in the deletion of 4 amino acids between codons 44 and 47. This variant was not reported in population-based cohorts in the Genome Aggregation Database (gnomAD). These amino acid positions are well conserved in available vertebrate species. This variant is predicted to be neutral by in silico analysis (Choi, 2012). Based on insufficient or conflicting evidence, the clinical significance of this alteration remains unclear.